The following is an entry in ClinVar:

ClinVar aggregate classification (germline): Uncertain significance (1 of 4 stars; one submission).

Conditions:
PPP1R12A-related disorder. Also called: PPP1R12A-related condition.

Submission:

PreventionGenetics, part of Exact Sciences
Classification: Uncertain significance for PPP1R12A-related condition. Last evaluated: 2025-12-17. Review status: criteria provided, single submitter. Criteria: ACMG Guidelines, 2015. Collection method: clinical testing. Allele origin: germline.
Comment: The PPP1R12A c.326C>G variant is predicted to result in the amino acid substitution p.Pro109Arg. To our knowledge, this variant has not been reported in the literature or in a large population database (gnomAD), indicating it is rare. At this time, missense variation in PPP1R12A is not well characterized in regard to disease. Although we suspect that this variant may be pathogenic, at this time, the clinical significance of this variant is uncertain due to the absence of conclusive functional and genetic evidence.

NM_002480.3(PPP1R12A):c.326C>G (p.Pro109Arg)

Gene: PPP1R12A (protein phosphatase 1 regulatory subunit 12A; minus strand). Cytogenetic location: 12q21.2.
Variant type: single nucleotide variant.
Coding change: c.326C>G on transcript NM_002480.3 (MANE Select); coding-DNA position 326, C replaced by G.
Protein change: p.Pro109Arg; replaces proline 109 with arginine.
Molecular consequence: missense variant.
Genome position (GRCh38, 1-based): chr12:79,872,850, G>C on the plus strand (C>G on the coding strand, the complement: PPP1R12A is on the minus strand). VCF-style: chr12-79872850-G-C. GRCh37 (hg19) VCF-style: chr12-80266630-G-C.
Other names: c.326C>G, p.Pro109Arg (NM_001143885.2, NM_001244990.2, NM_001244992.1); c.65C>G, p.Pro22Arg (NM_001143886.2); short protein forms P109R, P22R.
Identifiers: ClinVar variation 4992464 (VCV004992464.1).